The following is an entry in ClinVar:

ClinVar aggregate classification (germline): Uncertain significance (1 of 4 stars; one submission).

Submission:

Labcorp Genetics (formerly Invitae), Labcorp
Classification: Uncertain significance. Last evaluated: 2024-10-29. Review status: criteria provided, single submitter. Criteria: Invitae Variant Classification Sherloc (09022015). Collection method: clinical testing. Allele origin: germline.
Comment: This sequence change replaces asparagine, which is neutral and polar, with isoleucine, which is neutral and non-polar, at codon 2369 of the ACAN protein (p.Asn2369Ile). This variant is not present in population databases (gnomAD no frequency). This variant has not been reported in the literature in individuals affected with ACAN-related conditions. An algorithm developed to predict the effect of missense changes on protein structure and function (PolyPhen-2) suggests that this variant is likely to be disruptive. In summary, the available evidence is currently insufficient to determine the role of this variant in disease. Therefore, it has been classified as a Variant of Uncertain Significance.

NM_001369268.1(ACAN):c.7220A>T (p.Asn2407Ile)

Gene: ACAN (aggrecan; plus strand). Cytogenetic location: 15q26.1.
Variant type: single nucleotide variant.
Coding change: c.7220A>T on transcript NM_001369268.1 (MANE Select); coding-DNA position 7220, A replaced by T.
Protein change: p.Asn2407Ile; replaces asparagine 2407 with isoleucine.
Molecular consequence: missense variant.
Genome position (GRCh38, 1-based): chr15:88,872,003, A>T. VCF-style: chr15-88872003-A-T. GRCh37 (hg19) VCF-style: chr15-89415234-A-T.
Other names: c.6992A>T, p.Asn2331Ile (NM_001135.4, NM_001411096.1); c.7106A>T, p.Asn2369Ile (NM_001411097.1, NM_013227.4); short protein forms N2407I, N2369I, N2331I.
Identifiers: ClinVar variation 3723888 (VCV003723888.2).